The following is an entry in ClinVar:

ClinVar aggregate classification (germline): Likely pathogenic (1 of 4 stars; one submission).

Conditions:
Autosomal recessive Alport syndrome (ATS2). Also called: COL4A3-Related Nephropathy; COL4A4 Alport Syndrome and Thin Basement Membrane Nephropathy; ALPORT SYNDROME 2, AUTOSOMAL RECESSIVE; Alport syndrome type 2. Identifiers: Orphanet 63, Orphanet 88919, MedGen C4746745, MONDO:0008762, OMIM 203780.

Submission:

Myriad Genetics, Inc.
Classification: Likely pathogenic for Autosomal recessive Alport syndrome. Last evaluated: 2022-02-17. Review status: criteria provided, single submitter. Criteria: Myriad Women's Health Autosomal Recessive and X-Linked Classification Criteria (2021). Collection method: clinical testing. Allele origin: unknown.
Comment: NM_000091.4(COL4A3):c.2076_2077delTG(E693Tfs*15) is expected to be pathogenic in the context of COL4A3-related Alport syndrome. This variant is predicted to lead to an abnormal or absent protein product due to the creation of a premature termination codon in COL4A3, a gene where loss-of-function variants are known to be pathogenic. Please note: this variant was assessed in the context of healthy population screening.

NM_000091.5(COL4A3):c.2076_2077del (p.Glu693fs)

Genes: MFF-DT (MFF divergent transcript; minus strand), COL4A3 (collagen type IV alpha 3 chain; plus strand). Cytogenetic location: 2q36.3.
Variant type: Deletion.
Coding change: c.2076_2077del on transcript NM_000091.5 (MANE Select); coding-DNA positions 2076 to 2077, 2 bases deleted (TG; older notation c.2076_2077delTG).
Protein change: p.Glu693fs; shifts the reading frame from glutamic acid 693.
Molecular consequence: frameshift variant.
Genome position (GRCh38, 1-based): chr2:227,277,504-227,277,505, TG deleted; deleting any 2 consecutive bases within chr2:227,277,503-227,277,505 gives the same sequence; the c. name uses the placement nearest the transcript's 3' end. VCF-style (leftmost placement, unchanged base first): chr2-227277502-GGT-G. GRCh37 (hg19) VCF-style: chr2-228142218-GGT-G.
Other names: short protein forms E693fs.
Identifiers: ClinVar variation 1724511 (VCV001724511.2), dbSNP rs2469731988, ClinGen allele CA2580065992.
Genomic context (GRCh38, chr2:227,277,502, plus strand): 5'-TTCTAAGGTATCCCTGGATCCCTGGGGAAATGTGGAGATCCTGGTCTTCCAGGGCCTGAT[GGT>G]GAACCAGGAATTCCAGGAATTGGATTTCCTGGGCCTCCTGGACCTAAGGGTAAATTTAAA-3'